The following is an entry in ClinVar:

ClinVar aggregate classification (germline): Likely benign. Review status: reviewed by expert panel (3 of 4 stars). 4 submissions from 4 submitters: Likely benign (1). 3 of the submissions do not count toward it. Last evaluated 2024-04-01.

Conditions:
Histiocytic medullary reticulosis. Also called: SEVERE COMBINED IMMUNODEFICIENCY WITH HYPEREOSINOPHILIA; Omenn syndrome. Identifiers: Orphanet 39041, MedGen C2700553, MONDO:0011338, OMIM 603554.
Severe combined immunodeficiency due to DCLRE1C deficiency (RS-SCID). Also called: SCID, AUTOSOMAL RECESSIVE, T CELL-NEGATIVE, B CELL-NEGATIVE, NK CELL-POSITIVE, WITH SENSITIVITY TO IONIZING RADIATION. Identifiers: Orphanet 275, MedGen C1865371, MONDO:0011225, OMIM 602450.

Allele frequency attached by ClinVar (database versions not stated): gnomAD 0.00054 and 0.00056; ESP Exome Variant Server 0.00062; ExAC 0.00017; 1000 Genomes Project 0.00060; 1000 Genomes Project 30x 0.00062; TOPMed 0.00068; gnomAD exomes 0.00007 and 0.00015.
gnomAD v4.1: 197 of 1,614,016 alleles (0.012%); highest among the groups gnomAD compares: African/African-American, 0.18%; no homozygotes.

Submissions (4):

ClinGen Severe Combined Immunodeficiency Variant Curation Expert Panel, ClinGen
Classification: Likely benign for Severe combined immunodeficiency due to DCLRE1C deficiency. Last evaluated: 2024-04-01. Review status: reviewed by expert panel. Criteria: ClinGen SCID ACMG Specifications DCLRE1C V1.0.0. Collection method: curation. Allele origin: germline. Inheritance: Autosomal recessive inheritance.
Comment: The c.419C>T (NM_001033855.3) variant in DCLRE1C is a missense variant predicted to cause the substitution of Alanine by Valine at amino acid 140 (p.Ala140Val). The filtering allele frequency (the lower threshold of the 95% CI of 138/75030 alleles) of the c.419C>T variant in DCLRE1C is 0.001589 for African/African American chromosomes by gnomAD v4, which is higher than the ClinGen SCID VCEP threshold (>0.00078) for BS1, and therefore meets this criterion (BS1). No homozygotes have been observed in gnomAD. To our knowledge, this variant has not been reported in the literature in individuals affected with SCID/DCLRE1C-related conditions or in functional studies. In summary, this variant meets the criteria to be classified as Likely Benign for autosomal recessive severe combined immunodeficiency due to DCLRE1C deficiency based on the ACMG/AMP criteria applied, as specified by the ClinGen SCID VCEP. Criteria applied: BS1 (VCEP specifications version 1.0).

Labcorp Genetics (formerly Invitae), Labcorp
Classification: Uncertain significance for Athabaskan severe combined immunodeficiency. Last evaluated: 2025-01-13. Review status: criteria provided, single submitter. Criteria: Invitae Variant Classification Sherloc (09022015). Collection method: clinical testing. Allele origin: germline. Not counted in ClinVar's aggregate classification.
Comment: This sequence change replaces alanine, which is neutral and non-polar, with valine, which is neutral and non-polar, at codon 140 of the DCLRE1C protein (p.Ala140Val). This variant is present in population databases (rs41297016, gnomAD 0.2%). This variant has not been reported in the literature in individuals affected with DCLRE1C-related conditions. ClinVar contains an entry for this variant (Variation ID: 418159). Invitae Evidence Modeling of protein sequence and biophysical properties (such as structural, functional, and spatial information, amino acid conservation, physicochemical variation, residue mobility, and thermodynamic stability) has been performed for this missense variant. However, the output from this modeling did not meet the statistical confidence thresholds required to predict the impact of this variant on DCLRE1C protein function. In summary, the available evidence is currently insufficient to determine the role of this variant in disease. Therefore, it has been classified as a Variant of Uncertain Significance.

GeneDx
Classification: Uncertain significance. Last evaluated: 2016-06-15. Review status: criteria provided, single submitter. Criteria: GeneDx Variant Classification (06012015). Collection method: clinical testing. Allele origin: germline. Affected: yes. Not counted in ClinVar's aggregate classification.
Comment: The A140V variant in the DCLRE1C gene has not been published as a pathogenic variant, nor has it been reported as a benign variant to our knowledge. The variant was not observed at any significant frequency in approximately 6,500 individuals of European and African American ancestry in the NHLBI Exome Sequencing Project, indicating it is not a common benign variant in these populations. A140V is a conservative amino acid substitution, which is not likely to impact secondary protein structure as these residues share similar properties. This substitution occurs at a position that is conserved in mammals; however, in silico analysis is inconsistent in its predictions as to whether or not the variant is damaging to the protein structure/function. Therefore, based on the currently available information, it is unclear whether this variant is a pathogenic variant or a rare benign variant.

Natera, Inc.
Classification: Uncertain significance for Omenn syndrome. Last evaluated: 2020-04-13. Review status: no assertion criteria provided. Collection method: clinical testing. Allele origin: germline. Not counted in ClinVar's aggregate classification.

NM_001033855.3(DCLRE1C):c.419C>T (p.Ala140Val)

Gene: DCLRE1C (DNA cross-link repair 1C; minus strand). Cytogenetic location: 10p13.
Variant type: single nucleotide variant.
Coding change: c.419C>T on transcript NM_001033855.3 (MANE Select); coding-DNA position 419, C replaced by T.
Protein change: p.Ala140Val; replaces alanine 140 with valine.
Molecular consequence: missense variant. On other transcripts: non-coding transcript variant (4).
Genome position (GRCh38, 1-based): chr10:14,935,508, G>A on the plus strand (C>T on the coding strand, the complement: DCLRE1C is on the minus strand). VCF-style: chr10-14935508-G-A. GRCh37 (hg19) VCF-style: chr10-14977507-G-A.
Other names: NM_001033855.3(DCLRE1C):c.419C>T; p.Ala140Val; c.59C>T, p.Ala20Val (NM_001033857.3, NM_001033858.3, NM_001289077.2 and 2 more transcripts); c.74C>T, p.Ala25Val (NM_001289076.2, NM_001289078.2, NM_001350966.2 and 1 more transcripts); c.419C>T, p.Ala140Val (NM_001350965.2); short protein forms A140V, A25V, A20V.
Identifiers: ClinVar variation 418159 (VCV000418159.10), dbSNP rs41297016, ClinGen allele CA5416851.